The following is an entry in ClinVar:

NM_001134407.3(GRIN2A):c.1313A>G (p.Lys438Arg)

Gene: GRIN2A (glutamate ionotropic receptor NMDA type subunit 2A; minus strand). Cytogenetic location: 16p13.2.
Variant type: single nucleotide variant.
Coding change: c.1313A>G on transcript NM_001134407.3 (MANE Select); coding-DNA position 1313, A replaced by G.
Protein change: p.Lys438Arg; replaces lysine 438 with arginine.
Molecular consequence: missense variant.
Genome position (GRCh38, 1-based): chr16:9,849,771, T>C on the plus strand (A>G on the coding strand, the complement: GRIN2A is on the minus strand). VCF-style: chr16-9849771-T-C. GRCh37 (hg19) VCF-style: chr16-9943628-T-C.
Other names: c.1313A>G, p.Lys438Arg (NM_000833.5, NM_001134408.2); short protein forms K438R.
Identifiers: ClinVar variation 1028876 (VCV001028876.1), dbSNP rs2042848665, ClinGen allele CA394800945.

ClinVar aggregate classification (germline): Uncertain significance (1 of 4 stars; one submission).

Conditions:
Landau-Kleffner syndrome (FESD). Also called: APHASIA, ACQUIRED, WITH EPILEPSY; EPILEPSY, FOCAL, WITH SPEECH DISORDER AND WITH OR WITHOUT MENTAL RETARDATION. Identifiers: Orphanet 1945, Orphanet 725, Orphanet 98818, MedGen C0282512, MONDO:0009509, OMIM 245570.

Allele frequency attached by ClinVar (database versions not stated): gnomAD exomes below 0.00001.
gnomAD v4.1: 1 of 1,614,016 alleles (0.000062%); highest among the groups gnomAD compares: Non-Finnish European, 0.000085%; no homozygotes.

Submission:

Baylor Genetics
Classification: Uncertain significance for Landau-Kleffner syndrome. Last evaluated: 2019-12-17. Review status: criteria provided, single submitter. Criteria: ACMG Guidelines, 2015. Collection method: clinical testing. Allele origin: unknown. Affected: yes.
Comment: This variant was determined to be of uncertain significance according to ACMG Guidelines, 2015 [PMID:25741868].